The following is an entry in ClinVar:

NM_003737.4(DCHS1):c.4253G>T (p.Arg1418Leu)

Gene: DCHS1 (dachsous cadherin-related 1; minus strand). Cytogenetic location: 11p15.4.
Variant type: single nucleotide variant.
Coding change: c.4253G>T on transcript NM_003737.4 (MANE Select); coding-DNA position 4253, G replaced by T.
Protein change: p.Arg1418Leu; replaces arginine 1418 with leucine.
Molecular consequence: missense variant.
Genome position (GRCh38, 1-based): chr11:6,630,541, C>A on the plus strand (G>T on the coding strand, the complement: DCHS1 is on the minus strand). VCF-style: chr11-6630541-C-A. GRCh37 (hg19) VCF-style: chr11-6651772-C-A.
Other names: short protein forms R1418L.
Identifiers: ClinVar variation 1980125 (VCV001980125.4), dbSNP rs777709251, ClinGen allele CA5860355.

ClinVar aggregate classification (germline): Uncertain significance (1 of 4 stars; one submission).

Allele frequency attached by ClinVar (database versions not stated): gnomAD 0.00001; TOPMed 0.00003; ExAC 0.00008.
gnomAD v4.1: 29 of 1,531,076 alleles (0.0019%); highest among the groups gnomAD compares: East Asian, 0.0025%; no homozygotes.

Submission:

Labcorp Genetics (formerly Invitae), Labcorp
Classification: Uncertain significance. Last evaluated: 2025-08-11. Review status: criteria provided, single submitter. Criteria: Invitae Variant Classification Sherloc (09022015). Collection method: clinical testing. Allele origin: germline.
Comment: This sequence change replaces arginine, which is basic and polar, with leucine, which is neutral and non-polar, at codon 1418 of the DCHS1 protein (p.Arg1418Leu). This variant is present in population databases (rs777709251, gnomAD 0.004%). This variant has not been reported in the literature in individuals affected with DCHS1-related conditions. ClinVar contains an entry for this variant (Variation ID: 1980125). Invitae Evidence Modeling of protein sequence and biophysical properties (such as structural, functional, and spatial information, amino acid conservation, physicochemical variation, residue mobility, and thermodynamic stability) indicates that this missense variant is not expected to disrupt DCHS1 protein function with a negative predictive value of 95%. In summary, the available evidence is currently insufficient to determine the role of this variant in disease. Therefore, it has been classified as a Variant of Uncertain Significance.